The following is an entry in ClinVar:

ClinVar aggregate classification (germline): Uncertain significance (1 of 4 stars; one submission).

Conditions:
Developmental and epileptic encephalopathy, 37 (DEE37). Also called: Epileptic encephalopathy, early infantile, 37. Identifiers: MedGen C4310770, MONDO:0014859, OMIM 616981.

Submission:

Labcorp Genetics (formerly Invitae), Labcorp
Classification: Uncertain significance for Developmental and epileptic encephalopathy, 37. Last evaluated: 2022-02-25. Review status: criteria provided, single submitter. Criteria: Invitae Variant Classification Sherloc (09022015). Collection method: clinical testing. Allele origin: germline.
Comment: In summary, the available evidence is currently insufficient to determine the role of this variant in disease. Therefore, it has been classified as a Variant of Uncertain Significance. Algorithms developed to predict the effect of missense changes on protein structure and function (SIFT, PolyPhen-2, Align-GVGD) all suggest that this variant is likely to be disruptive. This variant has not been reported in the literature in individuals affected with FRRS1L-related conditions. This variant is not present in population databases (gnomAD no frequency). This sequence change replaces tyrosine, which is neutral and polar, with cysteine, which is neutral and slightly polar, at codon 320 of the FRRS1L protein (p.Tyr320Cys).

NM_014334.4(FRRS1L):c.806A>G (p.Tyr269Cys)

Gene: FRRS1L (ferric chelate reductase 1 like; minus strand). Cytogenetic location: 9q31.3.
Variant type: single nucleotide variant.
Coding change: c.806A>G on transcript NM_014334.4 (MANE Select); coding-DNA position 806, A replaced by G.
Protein change: p.Tyr269Cys; replaces tyrosine 269 with cysteine.
Molecular consequence: missense variant.
Genome position (GRCh38, 1-based): chr9:109,137,531, T>C on the plus strand (A>G on the coding strand, the complement: FRRS1L is on the minus strand). VCF-style: chr9-109137531-T-C. GRCh37 (hg19) VCF-style: chr9-111899811-T-C.
Other names: short protein forms Y269C.
Identifiers: ClinVar variation 2103597 (VCV002103597.4), dbSNP rs2538494392, ClinGen allele CA374422932.